The following is an entry in ClinVar:

ClinVar aggregate classification (germline): Likely benign. Review status: criteria provided, single submitter (1 of 4 stars). 2 submissions from 2 submitters: Likely benign (1). 1 of the submissions does not count toward it. Last evaluated 2025-12-03.

Conditions:
COQ8B-related disorder. Also called: COQ8B-related condition.

Allele frequency attached by ClinVar (database versions not stated): ExAC 0.00054; gnomAD 0.00166 and 0.00178; ESP Exome Variant Server 0.00169; TOPMed 0.00184; 1000 Genomes Project 0.00220; 1000 Genomes Project 30x 0.00250.
gnomAD v4.1: 487 of 1,609,162 alleles (0.03%); highest among the groups gnomAD compares: African/African-American, 0.56%; 2 homozygotes.

Submissions (2):

Labcorp Genetics (formerly Invitae), Labcorp
Classification: Likely benign. Last evaluated: 2025-12-03. Review status: criteria provided, single submitter. Criteria: Invitae Variant Classification Sherloc (09022015). Collection method: clinical testing. Allele origin: germline.

PreventionGenetics, part of Exact Sciences
Classification: Likely benign for COQ8B-related condition. Last evaluated: 2020-10-06. Review status: no assertion criteria provided. Collection method: clinical testing. Allele origin: germline. Not counted in ClinVar's aggregate classification.
Comment: This variant is classified as likely benign based on ACMG/AMP sequence variant interpretation guidelines (Richards et al. 2015 PMID: 25741868, with internal and published modifications).

NM_024876.4(COQ8B):c.20G>A (p.Gly7Asp)

Gene: COQ8B (coenzyme Q8B; minus strand). Cytogenetic location: 19q13.2.
Variant type: single nucleotide variant.
Coding change: c.20G>A on transcript NM_024876.4 (MANE Select); coding-DNA position 20, G replaced by A.
Protein change: p.Gly7Asp; replaces glycine 7 with aspartic acid.
Molecular consequence: missense variant.
Genome position (GRCh38, 1-based): chr19:40,714,613, C>T on the plus strand (G>A on the coding strand, the complement: COQ8B is on the minus strand). VCF-style: chr19-40714613-C-T. GRCh37 (hg19) VCF-style: chr19-41220518-C-T.
Other names: c.20G>A, p.Gly7Asp (NM_001142555.3); short protein forms G7D.
Identifiers: ClinVar variation 720783 (VCV000720783.12), dbSNP rs113871093, ClinGen allele CA9450570.